The following is an entry in ClinVar:

ClinVar aggregate classification (germline): Uncertain significance (1 of 4 stars; one submission).

Submission:

GeneDx
Classification: Uncertain significance. Last evaluated: 2023-09-27. Review status: criteria provided, single submitter. Criteria: GeneDx Variant Classification Process June 2021. Collection method: clinical testing. Allele origin: germline. Affected: yes.
Comment: Not observed at significant frequency in large population cohorts (gnomAD); In silico analysis supports that this missense variant has a deleterious effect on protein structure/function; Has not been previously published as pathogenic or benign to our knowledge

NM_014159.7(SETD2):c.7210A>G (p.Lys2404Glu)

Gene: SETD2 (SET domain containing 2, histone lysine methyltransferase; minus strand). Cytogenetic location: 3p21.31.
Variant type: single nucleotide variant.
Coding change: c.7210A>G on transcript NM_014159.7 (MANE Select); coding-DNA position 7210, A replaced by G.
Protein change: p.Lys2404Glu; replaces lysine 2404 with glutamic acid.
Molecular consequence: missense variant. On other transcripts: non-coding transcript variant (1).
Genome position (GRCh38, 1-based): chr3:47,042,589, T>C on the plus strand (A>G on the coding strand, the complement: SETD2 is on the minus strand). VCF-style: chr3-47042589-T-C. GRCh37 (hg19) VCF-style: chr3-47084079-T-C.
Other names: c.7078A>G, p.Lys2360Glu (NM_001349370.3); short protein forms K2360E, K2404E.
Identifiers: ClinVar variation 1326577 (VCV001326577.4), dbSNP rs2107539392, ClinGen allele CA352514084.
Genomic context (GRCh38, chr3:47,042,589, plus strand): 5'-AGACATGGGAACGCCCATACAGCTCCTCTTACCTTGTGATCACATGGTAGTAATAAATCT[T>C]CCCTTCTGGATCTCGAGCTGTCTTCCAGTTGGGAGGTAAGACAATGGTTTTTGGTTTGGG-3'
Protein context (NP_054878.5, residues 2394-2414): NWKTARDPEG[Lys2404Glu]IYYYHVITRQ